The following is an entry in ClinVar:

ClinVar aggregate classification (germline): Uncertain significance. Review status: criteria provided, single submitter (1 of 4 stars). 2 submissions from 2 submitters: Uncertain significance (1). 1 of the submissions does not count toward it. Last evaluated 2024-12-09.

Conditions:
ADCY3-related disorder. Also called: ADCY3-related condition.
Inborn genetic diseases. Identifiers: MedGen C0950123, MeSH D030342.

gnomAD v4.1: 16 of 1,614,034 alleles (0.00099%); highest among the groups gnomAD compares: African/African-American, 0.016%; no homozygotes.

Submissions (2):

Ambry Genetics
Classification: Uncertain significance for Inborn genetic diseases. Last evaluated: 2024-12-09. Review status: criteria provided, single submitter. Criteria: Ambry Variant Classification Scheme 2023. Collection method: clinical testing. Allele origin: germline.

PreventionGenetics, part of Exact Sciences
Classification: Uncertain significance for ADCY3-related condition. Last evaluated: 2024-04-17. Review status: no assertion criteria provided. Collection method: clinical testing. Allele origin: germline. Not counted in ClinVar's aggregate classification.
Comment: The ADCY3 c.2120C>T variant is predicted to result in the amino acid substitution p.Thr707Ile. To our knowledge, this variant has not been reported in the literature. This variant is reported in 0.034% of alleles in individuals of African descent in gnomAD. At this time, the clinical significance of this variant is uncertain due to the absence of conclusive functional and genetic evidence.

NM_004036.5(ADCY3):c.2120C>T (p.Thr707Ile)

Gene: ADCY3 (adenylate cyclase 3; minus strand). Cytogenetic location: 2p23.3.
Variant type: single nucleotide variant.
Coding change: c.2120C>T on transcript NM_004036.5 (MANE Select); coding-DNA position 2120, C replaced by T.
Protein change: p.Thr707Ile; replaces threonine 707 with isoleucine.
Molecular consequence: missense variant.
Genome position (GRCh38, 1-based): chr2:24,830,761, G>A on the plus strand (C>T on the coding strand, the complement: ADCY3 is on the minus strand). VCF-style: chr2-24830761-G-A. GRCh37 (hg19) VCF-style: chr2-25053630-G-A.
Other names: c.2120C>T, p.Thr707Ile (NM_001320613.2, NM_001377129.1, NM_001377130.1 and 1 more transcripts); c.2186C>T, p.Thr729Ile (NM_001377128.1); c.1397C>T, p.Thr466Ile (NM_001377131.1); c.2120C>T (NM_004036.3); short protein forms T466I, T707I, T729I.
Identifiers: ClinVar variation 3358259 (VCV003358259.2).